The following is an entry in ClinVar:

ClinVar aggregate classification (germline): Uncertain significance (1 of 4 stars; one submission).

gnomAD v4.1: 1 of 1,609,808 alleles (0.000062%); highest among the groups gnomAD compares: Non-Finnish European, 0.000085%; no homozygotes.

Submission:

GeneDx
Classification: Uncertain significance. Last evaluated: 2017-10-16. Review status: criteria provided, single submitter. Criteria: GeneDx Variant Classification (06012015). Collection method: clinical testing. Allele origin: germline. Affected: yes.
Comment: The E887K variant in the MARS gene has not been reported previously as a pathogenic variant, nor as a benign variant, to our knowledge. The E887K variant is not observed in large population cohorts (Lek et al., 2016). The E887K variant is a non-conservative amino acid substitution, which is likely to impact secondary protein structure as these residues differ in polarity, charge, size and/or other properties. This substitution occurs at a position that is conserved in mammals. In silico analysis is inconsistent in its predictions as to whether or not the variant is damaging to the protein structure/function. We interpret E887K as a variant of uncertain significance.

NM_004990.4(MARS1):c.2659G>A (p.Glu887Lys)

Gene: MARS1 (methionyl-tRNA synthetase 1; plus strand). Cytogenetic location: 12q13.3.
Variant type: single nucleotide variant.
Coding change: c.2659G>A on transcript NM_004990.4 (MANE Select); coding-DNA position 2659, G replaced by A.
Protein change: p.Glu887Lys; replaces glutamic acid 887 with lysine.
Molecular consequence: missense variant.
Genome position (GRCh38, 1-based): chr12:57,516,537, G>A. VCF-style: chr12-57516537-G-A. GRCh37 (hg19) VCF-style: chr12-57910320-G-A.
Other names: short protein forms E887K.
Identifiers: ClinVar variation 452852 (VCV000452852.2), dbSNP rs1555168927, ClinGen allele CA385469233.